The following is an entry in ClinVar:

ClinVar aggregate classification (germline): Uncertain significance. Review status: criteria provided, multiple submitters, no conflicts (2 of 4 stars). 2 submissions from 2 submitters: Uncertain significance (2). Last evaluated 2025-12-11.

Conditions:
Inborn genetic diseases. Identifiers: MedGen C0950123, MeSH D030342.
Immunodeficiency 104. Also called: IMMUNODEFICIENCY 104, SEVERE COMBINED; SCID, AUTOSOMAL RECESSIVE, T CELL-NEGATIVE, B CELL-POSITIVE, NK CELL-POSITIVE; Severe Combined Immune Deficiency, Autosomal Recessive, TCell -Negative, B Cell-Positive, NK Cell-Positive, IL7R-Related; Severe combined immunodeficiency, autosomal recessive, T cell-negative, B cell-positive, NK cell-positive. Identifiers: MedGen C5676890, MONDO:0012163, OMIM 608971.

Allele frequency attached by ClinVar (database versions not stated): gnomAD exomes below 0.00001 and 0.00001; TOPMed below 0.00001.
gnomAD v4.1: 8 of 1,611,432 alleles (0.0005%); highest among the groups gnomAD compares: South Asian, 0.0077%; 1 homozygote.

Submissions (2):

Ambry Genetics
Classification: Uncertain significance for Inborn genetic diseases. Last evaluated: 2025-12-11. Review status: criteria provided, single submitter. Criteria: Ambry Variant Classification Scheme 2023. Collection method: clinical testing. Allele origin: germline.

Labcorp Genetics (formerly Invitae), Labcorp
Classification: Uncertain significance for Immunodeficiency 104. Last evaluated: 2021-09-01. Review status: criteria provided, single submitter. Criteria: Invitae Variant Classification Sherloc (09022015). Collection method: clinical testing. Allele origin: germline.
Comment: This sequence change replaces cysteine with tyrosine at codon 1180 of the PTPRC protein (p.Cys1180Tyr). The cysteine residue is highly conserved and there is a large physicochemical difference between cysteine and tyrosine. This variant is not present in population databases (ExAC no frequency). This variant has not been reported in the literature in individuals affected with PTPRC-related conditions. Algorithms developed to predict the effect of missense changes on protein structure and function are either unavailable or do not agree on the potential impact of this missense change (SIFT: "Deleterious"; PolyPhen-2: "Probably Damaging"; Align-GVGD: "Class C0"). In summary, the available evidence is currently insufficient to determine the role of this variant in disease. Therefore, it has been classified as a Variant of Uncertain Significance.

NM_002838.5(PTPRC):c.3539G>A (p.Cys1180Tyr)

Gene: PTPRC (protein tyrosine phosphatase receptor type C; plus strand). Cytogenetic location: 1q32.1.
Variant type: single nucleotide variant.
Coding change: c.3539G>A on transcript NM_002838.5 (MANE Select); coding-DNA position 3539, G replaced by A.
Protein change: p.Cys1180Tyr; replaces cysteine 1180 with tyrosine.
Molecular consequence: missense variant.
Genome position (GRCh38, 1-based): chr1:198,754,298, G>A. VCF-style: chr1-198754298-G-A. GRCh37 (hg19) VCF-style: chr1-198723427-G-A.
Other names: c.3533G>A (NM_002838.3); c.3056G>A, p.Cys1019Tyr (NM_080921.4); short protein forms C1180Y, C1019Y.
Identifiers: ClinVar variation 1034982 (VCV001034982.11), dbSNP rs1294347017, ClinGen allele CA344055304.